The following is an entry in ClinVar:

NM_001792.5(CDH2):c.880G>A (p.Ala294Thr)

Gene: CDH2 (cadherin 2; minus strand). Cytogenetic location: 18q12.1.
Variant type: single nucleotide variant.
Coding change: c.880G>A on transcript NM_001792.5 (MANE Select); coding-DNA position 880, G replaced by A.
Protein change: p.Ala294Thr; replaces alanine 294 with threonine.
Molecular consequence: missense variant.
Genome position (GRCh38, 1-based): chr18:28,003,137, C>T on the plus strand (G>A on the coding strand, the complement: CDH2 is on the minus strand). VCF-style: chr18-28003137-C-T. GRCh37 (hg19) VCF-style: chr18-25583101-C-T.
Other names: c.787G>A, p.Ala263Thr (NM_001308176.2); short protein forms A294T, A263T.
Identifiers: ClinVar variation 2997461 (VCV002997461.3), dbSNP rs1199412138, ClinGen allele CA402242961.
Genomic context (GRCh38, chr18:28,003,137, plus strand): 5'-TTGGAGCCTGAGACACGATTCTGTACCTCAACATCCCATTGAGGGCATTGGGATCGTCAG[C>T]ATCAATTGCTGTTACGGTCATCACATATGTTCCTAGAGACAGTGTACATGGAAAATGAAT-3'
Protein context (NP_001783.2, residues 284-304): TYVMTVTAID[Ala294Thr]DDPNALNGML

ClinVar aggregate classification (germline): Uncertain significance (1 of 4 stars; one submission).

Allele frequency attached by ClinVar (database versions not stated): TOPMed below 0.00001; gnomAD exomes 0.00001.
gnomAD v4.1: 8 of 1,613,884 alleles (0.0005%); highest among the groups gnomAD compares: Admixed American, 0.013%; no homozygotes.

Submission:

Labcorp Genetics (formerly Invitae), Labcorp
Classification: Uncertain significance. Last evaluated: 2025-05-27. Review status: criteria provided, single submitter. Criteria: Invitae Variant Classification Sherloc (09022015). Collection method: clinical testing. Allele origin: germline.
Comment: This sequence change replaces alanine, which is neutral and non-polar, with threonine, which is neutral and polar, at codon 294 of the CDH2 protein (p.Ala294Thr). This variant is present in population databases (no rsID available, gnomAD 0.02%). This variant has not been reported in the literature in individuals affected with CDH2-related conditions. ClinVar contains an entry for this variant (Variation ID: 2997461). An algorithm developed to predict the effect of missense changes on protein structure and function (PolyPhen-2) suggests that this variant is likely to be tolerated. In summary, the available evidence is currently insufficient to determine the role of this variant in disease. Therefore, it has been classified as a Variant of Uncertain Significance.